The following is an entry in ClinVar:

NM_007294.4(BRCA1):c.281A>C (p.Gln94Pro)

Gene: BRCA1 (BRCA1 DNA repair associated; minus strand). Cytogenetic location: 17q21.31.
Variant type: single nucleotide variant.
Coding change: c.281A>C on transcript NM_007294.4 (MANE Select); coding-DNA position 281, A replaced by C.
Protein change: p.Gln94Pro; replaces glutamine 94 with proline.
Molecular consequence: missense variant. On other transcripts: non-coding transcript variant (1).
Genome position (GRCh38, 1-based): chr17:43,104,888, T>G on the plus strand (A>C on the coding strand, the complement: BRCA1 is on the minus strand). VCF-style: chr17-43104888-T-G. GRCh37 (hg19) VCF-style: chr17-41256905-T-G.
Other names: c.71A>C, p.Gln24Pro (NM_001407571.1, NM_001407853.1, NM_001407879.1 and 58 more transcripts); c.281A>C, p.Gln94Pro (NM_001407581.1, NM_001407582.1, NM_001407583.1 and 168 more transcripts); c.203A>C, p.Gln68Pro (NM_001407653.1, NM_001407654.1, NM_001407655.1 and 21 more transcripts); c.140A>C, p.Gln47Pro (NM_001407692.1, NM_001407694.1, NM_001407695.1 and 99 more transcripts); c.-101A>C (NM_001407959.1, NM_001407960.1, NM_001407962.1 and 4 more transcripts); c.149A>C, p.Gln50Pro (NM_001408451.1); short protein forms Q47P, Q94P, Q24P, Q68P, Q50P.
Identifiers: ClinVar variation 865628 (VCV000865628.11), dbSNP rs2054675893, ClinGen allele CA10601593.

ClinVar aggregate classification (germline): Uncertain significance (1 of 4 stars; one submission).

Conditions:
Hereditary breast ovarian cancer syndrome. Also called: Hereditary breast and/or ovarian cancer syndrome; BRCA1- and BRCA2-Associated Hereditary Breast and Ovarian Cancer; Hereditary breast and ovarian cancer syndrome; Hereditary breast and ovarian cancer; Hereditary breast and ovarian cancer syndrome (HBOC); Breast and ovarian cancer. Identifiers: Orphanet 145, MedGen C0677776, MeSH D061325, MONDO:0003582. Disease mechanism: loss of function.

Submissions (2):

Labcorp Genetics (formerly Invitae), Labcorp
Classification: Uncertain significance for Hereditary breast ovarian cancer syndrome. Last evaluated: 2025-11-10. Review status: criteria provided, single submitter. Criteria: Invitae Variant Classification Sherloc (09022015). Collection method: clinical testing. Allele origin: germline.
Comment: This sequence change replaces glutamine, which is neutral and polar, with proline, which is neutral and non-polar, at codon 94 of the BRCA1 protein (p.Gln94Pro). This variant is not present in population databases (gnomAD no frequency). This variant has not been reported in the literature in individuals affected with BRCA1-related conditions. ClinVar contains an entry for this variant (Variation ID: 865628). Invitae Evidence Modeling of protein sequence and biophysical properties (such as structural, functional, and spatial information, amino acid conservation, physicochemical variation, residue mobility, and thermodynamic stability) indicates that this missense variant is not expected to disrupt BRCA1 protein function with a negative predictive value of 80%. Experimental studies are conflicting or provide insufficient evidence to determine the effect of this variant on BRCA1 function (PMID: 30209399). In summary, the available evidence is currently insufficient to determine the role of this variant in disease. Therefore, it has been classified as a Variant of Uncertain Significance.

Brotman Baty Institute, University of Washington
No classification provided (evidence only). Condition: Breast-ovarian cancer, familial 1. Review status: no classification provided. Collection method: in vitro. Allele origin: not applicable. Functional consequence: function_uncertain_variant. Not counted in ClinVar's aggregate classification.
ClinVar note: "not provided" was previously submitted as the classification for the variant. However, the classification appeared to be based only on an observation of functional data so it was converted to no classification on 2025-07-30.

Literature cited by the submitters: PubMed 30209399 (cited by Labcorp Genetics (formerly Invitae), Labcorp).